The following is an entry in ClinVar:

NM_014423.4(AFF4):c.3170T>C (p.Val1057Ala)

Gene: AFF4 (ALF transcription elongation factor 4; minus strand). Cytogenetic location: 5q31.1.
Variant type: single nucleotide variant.
Coding change: c.3170T>C on transcript NM_014423.4 (MANE Select); coding-DNA position 3170, T replaced by C.
Protein change: p.Val1057Ala; replaces valine 1057 with alanine.
Molecular consequence: missense variant.
Genome position (GRCh38, 1-based): chr5:132,883,534, A>G on the plus strand (T>C on the coding strand, the complement: AFF4 is on the minus strand). VCF-style: chr5-132883534-A-G. GRCh37 (hg19) VCF-style: chr5-132219226-A-G.
Other names: c.3170T>C (NM_014423.3); short protein forms V1057A.
Identifiers: ClinVar variation 1419414 (VCV001419414.10), dbSNP rs1484284468, ClinGen allele CA360967542.

ClinVar aggregate classification (germline): Uncertain significance. Review status: criteria provided, multiple submitters, no conflicts (2 of 4 stars). 3 submissions from 3 submitters: Uncertain significance (3). Last evaluated 2025-08-26.

Conditions:
AFF4-related disorder. Also called: AFF4-related condition.
Cognitive impairment - coarse facies - heart defects - obesity - pulmonary involvement - short stature - skeletal dysplasia syndrome. Also called: COGNITIVE IMPAIRMENT, COARSE FACIES, HEART DEFECTS, OBESITY, PULMONARY INVOLVEMENT, SHORT STATURE, AND SKELETAL DYSPLASIA; Chops syndrome; AFF4-Related CHOPS Syndrome. Identifiers: Orphanet 444077, MedGen C4085597, MONDO:0014609, OMIM 616368.

Allele frequency attached by ClinVar (database versions not stated): gnomAD exomes below 0.00001; TOPMed below 0.00001; gnomAD 0.00001.
gnomAD v4.1: 4 of 1,613,768 alleles (0.00025%); highest among the groups gnomAD compares: Non-Finnish European, 0.00034%; no homozygotes.

Submissions (3):

PreventionGenetics, part of Exact Sciences
Classification: Uncertain significance for AFF4-related condition. Last evaluated: 2025-08-26. Review status: criteria provided, single submitter. Criteria: ACMG Guidelines, 2015. Collection method: clinical testing. Allele origin: germline.
Comment: The AFF4 c.3170T>C variant is predicted to result in the amino acid substitution p.Val1057Ala. To our knowledge, this variant has not been reported in the literature or in a large population database (gnomAD), indicating this variant is rare. At this time, the clinical significance of this variant is uncertain due to the absence of conclusive functional and genetic evidence.

Labcorp Genetics (formerly Invitae), Labcorp
Classification: Uncertain significance for Cognitive impairment - coarse facies - heart defects - obesity - pulmonary involvement - short stature - skeletal dysplasia syndrome. Last evaluated: 2025-04-29. Review status: criteria provided, single submitter. Criteria: Invitae Variant Classification Sherloc (09022015). Collection method: clinical testing. Allele origin: germline.
Comment: This sequence change replaces valine, which is neutral and non-polar, with alanine, which is neutral and non-polar, at codon 1057 of the AFF4 protein (p.Val1057Ala). This variant is not present in population databases (gnomAD no frequency). This variant has not been reported in the literature in individuals affected with AFF4-related conditions. ClinVar contains an entry for this variant (Variation ID: 1419414). Invitae Evidence Modeling of protein sequence and biophysical properties (such as structural, functional, and spatial information, amino acid conservation, physicochemical variation, residue mobility, and thermodynamic stability) indicates that this missense variant is expected to disrupt AFF4 protein function with a positive predictive value of 80%. In summary, the available evidence is currently insufficient to determine the role of this variant in disease. Therefore, it has been classified as a Variant of Uncertain Significance.

Women's Health and Genetics/Laboratory Corporation of America, LabCorp
Classification: Uncertain significance. Last evaluated: 2025-02-19. Review status: criteria provided, single submitter. Criteria: LabCorp Variant Classification Summary - May 2015. Collection method: clinical testing. Allele origin: germline.
Comment: Variant summary: AFF4 c.3170T>C (p.Val1057Ala) results in a non-conservative amino acid change located in the AFF4, C-terminal homology domain (IPR043640) of the encoded protein sequence. Three of five in-silico tools predict a damaging effect of the variant on protein function. The variant was absent in 250806 control chromosomes. The available data on variant occurrences in the general population are insufficient to allow any conclusion about variant significance. To our knowledge, no occurrence of c.3170T>C in individuals affected with Chops Syndrome and no experimental evidence demonstrating its impact on protein function have been reported. ClinVar contains an entry for this variant (Variation ID: 1419414). Based on the evidence outlined above, the variant was classified as uncertain significance.